The following is an entry in ClinVar:

ClinVar aggregate classification (germline): Uncertain significance (1 of 4 stars; one submission).

gnomAD v4.1: 1 of 1,553,206 alleles (0.000064%); highest among the groups gnomAD compares: East Asian, 0.0024%; no homozygotes.

Submission:

Labcorp Genetics (formerly Invitae), Labcorp
Classification: Uncertain significance. Last evaluated: 2020-02-22. Review status: criteria provided, single submitter. Criteria: Invitae Variant Classification Sherloc (09022015). Collection method: clinical testing. Allele origin: germline.
Comment: In summary, the available evidence is currently insufficient to determine the role of this variant in disease. Therefore, it has been classified as a Variant of Uncertain Significance. Algorithms developed to predict the effect of missense changes on protein structure and function (SIFT, PolyPhen-2, Align-GVGD) all suggest that this variant is likely to be tolerated, but these predictions have not been confirmed by published functional studies and their clinical significance is uncertain. This variant has not been reported in the literature in individuals with MYO7A-related conditions. This variant is not present in population databases (ExAC no frequency). This sequence change replaces leucine with proline at codon 1772 of the MYO7A protein (p.Leu1772Pro). The leucine residue is weakly conserved and there is a moderate physicochemical difference between leucine and proline.

NM_000260.4(MYO7A):c.5315T>C (p.Leu1772Pro)

Gene: MYO7A (myosin VIIA; plus strand). Cytogenetic location: 11q13.5.
Variant type: single nucleotide variant.
Coding change: c.5315T>C on transcript NM_000260.4 (MANE Select); coding-DNA position 5315, T replaced by C.
Protein change: p.Leu1772Pro; replaces leucine 1772 with proline.
Molecular consequence: missense variant.
Genome position (GRCh38, 1-based): chr11:77,203,206, T>C. VCF-style: chr11-77203206-T-C. GRCh37 (hg19) VCF-style: chr11-76914251-T-C.
Other names: c.5201T>C, p.Leu1734Pro (NM_001127180.2); c.5168T>C, p.Leu1723Pro (NM_001369365.1); short protein forms L1772P, L1723P, L1734P.
Identifiers: ClinVar variation 941678 (VCV000941678.9), dbSNP rs1375841914, ClinGen allele CA381952457.